The following is an entry in ClinVar:

ClinVar aggregate classification (germline): Pathogenic. Review status: criteria provided, single submitter (1 of 4 stars). 2 submissions from 2 submitters: Pathogenic (1). 1 of the submissions does not count toward it. Last evaluated 2025-06-18.

Conditions:
Neuroocular syndrome 1 (NOC1). Identifiers: Orphanet 659904, MedGen C5925133, MONDO:0971007, OMIM 619539.
complex microphthalmia.

Submissions (2):

Victorian Clinical Genetics Services, Murdoch Childrens Research Institute
Classification: Pathogenic for Neuroocular syndrome 1. Last evaluated: 2025-06-18. Review status: criteria provided, single submitter. Criteria: ACMG Guidelines, 2015. Collection method: clinical testing. Allele origin: germline. Affected: yes.
Comment: This variant is classified as Pathogenic. Evidence in support of pathogenic classification: Variant is predicted to cause nonsense-mediated decay (NMD) and loss of protein (premature termination codon is located at least 54 nucleotides upstream of the final exon-exon junction); Variant is present in gnomAD <0.001 for a dominant condition (v4: 1 heterozygote(s), 0 homozygote(s)); Other NMD-predicted variant(s) comparable to the one identified in this case have very strong previous evidence for pathogenicity (DECIPHER); Additional information: This variant is heterozygous; This gene is associated with autosomal dominant disease; Loss of function is a known mechanism of disease in this gene and is associated with neuroocular syndrome (MIM#619539).

University of Washington Center for Mendelian Genomics, University of Washington
Classification: Likely pathogenic for complex microphthalmia. Review status: no assertion criteria provided. Collection method: research. Allele origin: de novo. Affected: yes. Not counted in ClinVar's aggregate classification.

Literature cited by the submitters: PubMed 33314030 (cited by University of Washington Center for Mendelian Genomics, University of Washington).

NM_020719.3(PRR12):c.677dup (p.Tyr227fs)

Gene: PRR12 (proline rich 12; plus strand). Cytogenetic location: 19q13.33.
Variant type: Duplication.
Coding change: c.677dup on transcript NM_020719.3 (MANE Select); coding-DNA position 677, one base duplicated (C; older notation c.677dupC).
Protein change: p.Tyr227fs; shifts the reading frame from tyrosine 227.
Molecular consequence: frameshift variant.
Genome position (GRCh38, 1-based): chr19:49,595,012, C duplicated; the last of 7 consecutive C bases (chr19:49,595,006-49,595,012); duplicating any one gives the same sequence. VCF-style (leftmost placement, unchanged base first): chr19-49595005-A-AC. GRCh37 (hg19) VCF-style: chr19-50098262-A-AC.
Other names: short protein forms Y227fs.
Identifiers: ClinVar variation 1184840 (VCV001184840.3), dbSNP rs1329160503, ClinGen allele CA633892859.